The following is an entry in ClinVar:

ClinVar aggregate classification (germline): Uncertain significance (1 of 4 stars; one submission).

Conditions:
Inborn genetic diseases. Identifiers: MedGen C0950123, MeSH D030342.

gnomAD v4.1: 15 of 1,613,876 alleles (0.00093%); highest among the groups gnomAD compares: Middle Eastern, 0.017%; no homozygotes.

Submission:

Ambry Genetics
Classification: Uncertain significance for Inborn genetic diseases. Last evaluated: 2025-12-07. Review status: criteria provided, single submitter. Criteria: Ambry Variant Classification Scheme 2023. Collection method: clinical testing. Allele origin: germline.
Comment: The p.A82T variant (also known as c.244G>A), located in coding exon 2 of the USB1 gene, results from a G to A substitution at nucleotide position 244. The alanine at codon 82 is replaced by threonine, an amino acid with similar properties. This amino acid position is conserved. In addition, this alteration is predicted to be deleterious by in silico analysis. Based on the available evidence, the clinical significance of this variant remains unclear.

NM_024598.4(USB1):c.244G>A (p.Ala82Thr)

Gene: USB1 (U6 snRNA biogenesis phosphodiesterase 1; plus strand). Cytogenetic location: 16q21.
Variant type: single nucleotide variant.
Coding change: c.244G>A on transcript NM_024598.4 (MANE Select); coding-DNA position 244, G replaced by A.
Protein change: p.Ala82Thr; replaces alanine 82 with threonine.
Molecular consequence: missense variant.
Genome position (GRCh38, 1-based): chr16:58,002,624, G>A. VCF-style: chr16-58002624-G-A. GRCh37 (hg19) VCF-style: chr16-58036528-G-A.
Other names: c.244G>A, p.Ala82Thr (NM_001195302.2, NM_001204911.2, NM_001330569.2); c.91G>A, p.Ala31Thr (NM_001330568.2); short protein forms A82T, A31T.
Identifiers: ClinVar variation 4634222 (VCV004634222.1).